The following is an entry in ClinVar:

ClinVar aggregate classification (germline): Uncertain significance (1 of 4 stars; one submission).

Submission:

GeneDx
Classification: Uncertain significance. Last evaluated: 2025-07-10. Review status: criteria provided, single submitter. Criteria: GeneDx Variant Classification Process June 2021. Collection method: clinical testing. Allele origin: germline. Affected: yes.
Comment: Not observed at significant frequency in large population cohorts (gnomAD); In silico analysis supports that this missense variant has a deleterious effect on protein structure/function; Has not been previously published as pathogenic or benign to our knowledge

NM_001127392.3(MYRF):c.2869C>A (p.Pro957Thr)

Gene: MYRF (myelin regulatory factor; plus strand). Cytogenetic location: 11q12.2.
Variant type: single nucleotide variant.
Coding change: c.2869C>A on transcript NM_001127392.3 (MANE Select); coding-DNA position 2869, C replaced by A.
Protein change: p.Pro957Thr; replaces proline 957 with threonine.
Molecular consequence: missense variant.
Genome position (GRCh38, 1-based): chr11:61,781,677, C>A. VCF-style: chr11-61781677-C-A. GRCh37 (hg19) VCF-style: chr11-61549149-C-A.
Other names: c.2764C>A, p.Pro922Thr (NM_013279.4); short protein forms P922T, P957T.
Identifiers: ClinVar variation 4685267 (VCV004685267.1).